The following is an entry in ClinVar:

NM_001080467.3(MYO5B):c.1894G>A (p.Val632Ile)

Gene: MYO5B (myosin VB; minus strand). Cytogenetic location: 18q21.1.
Variant type: single nucleotide variant.
Coding change: c.1894G>A on transcript NM_001080467.3 (MANE Select); coding-DNA position 1894, G replaced by A.
Protein change: p.Val632Ile; replaces valine 632 with isoleucine.
Molecular consequence: missense variant.
Genome position (GRCh38, 1-based): chr18:49,937,256, C>T on the plus strand (G>A on the coding strand, the complement: MYO5B is on the minus strand). VCF-style: chr18-49937256-C-T. GRCh37 (hg19) VCF-style: chr18-47463626-C-T.
Other names: short protein forms V632I.
Identifiers: ClinVar variation 1481422 (VCV001481422.5), dbSNP rs374640744, ClinGen allele CA8961337.

ClinVar aggregate classification (germline): Uncertain significance (1 of 4 stars; one submission).

Allele frequency attached by ClinVar (database versions not stated): gnomAD exomes 0.00003; ExAC 0.00002; ESP Exome Variant Server 0.00016; gnomAD 0.00001; TOPMed 0.00002.
gnomAD v4.1: 26 of 1,613,966 alleles (0.0016%); highest among the groups gnomAD compares: Middle Eastern, 0.016%; no homozygotes.

Submission:

Labcorp Genetics (formerly Invitae), Labcorp
Classification: Uncertain significance. Last evaluated: 2021-09-24. Review status: criteria provided, single submitter. Criteria: Invitae Variant Classification Sherloc (09022015). Collection method: clinical testing. Allele origin: germline.
Comment: This sequence change replaces valine with isoleucine at codon 632 of the MYO5B protein (p.Val632Ile). The valine residue is highly conserved and there is a small physicochemical difference between valine and isoleucine. This variant is present in population databases (rs374640744, ExAC 0.003%). This variant has not been reported in the literature in individuals with MYO5B-related conditions. Algorithms developed to predict the effect of missense changes on protein structure and function are either unavailable or do not agree on the potential impact of this missense change (SIFT: "Deleterious"; PolyPhen-2: "Probably Damaging"; Align-GVGD: "Class C0"). In summary, the available evidence is currently insufficient to determine the role of this variant in disease. Therefore, it has been classified as a Variant of Uncertain Significance.